The following is an entry in ClinVar:

NM_004364.5(CEBPA):c.1043G>A (p.Ser348Asn)

Gene: CEBPA (CCAAT enhancer binding protein alpha; minus strand). Cytogenetic location: 19q13.11.
Variant type: single nucleotide variant.
Coding change: c.1043G>A on transcript NM_004364.5 (MANE Select); coding-DNA position 1043, G replaced by A.
Protein change: p.Ser348Asn; replaces serine 348 with asparagine.
Molecular consequence: missense variant.
Genome position (GRCh38, 1-based): chr19:33,301,372, C>T on the plus strand (G>A on the coding strand, the complement: CEBPA is on the minus strand). VCF-style: chr19-33301372-C-T. GRCh37 (hg19) VCF-style: chr19-33792278-C-T.
Other names: c.686G>A, p.Ser229Asn (NM_001285829.2); c.1148G>A, p.Ser383Asn (NM_001287424.2); c.1001G>A, p.Ser334Asn (NM_001287435.2); short protein forms S229N, S334N, S348N, S383N.
Identifiers: ClinVar variation 4868686 (VCV004868686.1).

ClinVar aggregate classification (germline): Uncertain significance (1 of 4 stars; one submission).

Conditions:
Inborn genetic diseases. Identifiers: MedGen C0950123, MeSH D030342.

Submission:

Ambry Genetics
Classification: Uncertain significance for Inborn genetic diseases. Last evaluated: 2026-05-14. Review status: criteria provided, single submitter. Criteria: Ambry Variant Classification Scheme 2023. Collection method: clinical testing. Allele origin: germline.
Comment: The p.S348N variant (also known as c.1043G>A), located in coding exon 1 of the CEBPA gene, results from a G to A substitution at nucleotide position 1043. The serine at codon 348 is replaced by asparagine, an amino acid with highly similar properties. This amino acid position is conserved. In addition, this alteration is predicted to be tolerated by in silico analysis. Based on the available evidence, the clinical significance of this variant remains unclear.